The following is an entry in ClinVar:

NM_004369.4(COL6A3):c.1385A>G (p.Asn462Ser)

Gene: COL6A3 (collagen type VI alpha 3 chain; minus strand). Cytogenetic location: 2q37.3.
Variant type: single nucleotide variant.
Coding change: c.1385A>G on transcript NM_004369.4 (MANE Select); coding-DNA position 1385, A replaced by G.
Protein change: p.Asn462Ser; replaces asparagine 462 with serine.
Molecular consequence: missense variant.
Genome position (GRCh38, 1-based): chr2:237,381,427, T>C on the plus strand (A>G on the coding strand, the complement: COL6A3 is on the minus strand). VCF-style: chr2-237381427-T-C. GRCh37 (hg19) VCF-style: chr2-238290070-T-C.
Other names: c.164A>G, p.Asn55Ser (NM_057164.5, NM_057166.5); c.767A>G, p.Asn256Ser (NM_057165.5, NM_057167.4); short protein forms N462S, N256S, N55S.
Identifiers: ClinVar variation 285827 (VCV000285827.24), dbSNP rs200250810, ClinGen allele CA2189630.

ClinVar aggregate classification (germline): Conflicting classifications of pathogenicity. Review status: criteria provided, conflicting classifications (1 of 4 stars). 6 submissions from 6 submitters: Uncertain significance (5); Likely benign (1). Last evaluated 2026-01-06.

Conditions:
Inborn genetic diseases. Identifiers: MedGen C0950123, MeSH D030342.
Bethlem myopathy 1A. Also called: Bethlem Muscular Dystrophy; MYOPATHY, BENIGN CONGENITAL, WITH CONTRACTURES; Bethlem myopathy 1. Identifiers: Orphanet 610, MedGen CN029274, MONDO:0024530, OMIM 158810.

Allele frequency attached by ClinVar (database versions not stated): gnomAD exomes 0.00002 and 0.00011; gnomAD 0.00004; ExAC 0.00007; TOPMed 0.00010.
gnomAD v4.1: 38 of 1,612,534 alleles (0.0024%); highest among the groups gnomAD compares: Admixed American, 0.052%; no homozygotes.

Submissions (6):

Labcorp Genetics (formerly Invitae), Labcorp
Classification: Likely benign for Bethlem myopathy 1A. Last evaluated: 2026-01-06. Review status: criteria provided, single submitter. Criteria: Invitae Variant Classification Sherloc (09022015). Collection method: clinical testing. Allele origin: germline.

Women's Health and Genetics/Laboratory Corporation of America, LabCorp
Classification: Uncertain significance. Last evaluated: 2026-01-06. Review status: criteria provided, single submitter. Criteria: LabCorp Variant Classification Summary - May 2015. Collection method: clinical testing. Allele origin: germline.
Comment: Variant summary: COL6A3 c.1385A>G (p.Asn462Ser) results in a conservative amino acid change in the encoded protein sequence. Algorithms developed to predict the effect of missense changes on protein structure and function all suggest that this variant is likely to be tolerated. The variant allele was found at a frequency of 0.00011 in 249104 control chromosomes (gnomAD). This frequency is not significantly higher than estimated for disease-causing variants in COL6A3, allowing no conclusion about variant significance. To our knowledge, no occurrence of c.1385A>G in individuals affected with COL6A3-related conditions and no experimental evidence demonstrating its impact on protein function have been reported. ClinVar contains an entry for this variant (Variation ID: 285827). Based on the evidence outlined above, the variant was classified as uncertain significance.

Ambry Genetics
Classification: Uncertain significance for Inborn genetic diseases. Last evaluated: 2025-10-14. Review status: criteria provided, single submitter. Criteria: Ambry Variant Classification Scheme 2023. Collection method: clinical testing. Allele origin: germline.

Revvity Omics, Revvity
Classification: Uncertain significance. Last evaluated: 2025-01-26. Review status: criteria provided, single submitter. Criteria: ACMG Guidelines, 2015. Collection method: clinical testing. Allele origin: germline.

GeneDx
Classification: Uncertain significance. Last evaluated: 2024-01-11. Review status: criteria provided, single submitter. Criteria: GeneDx Variant Classification Process June 2021. Collection method: clinical testing. Allele origin: germline. Affected: yes.
Comment: In silico analysis supports that this missense variant does not alter protein structure/function; Has not been previously published as pathogenic or benign to our knowledge

Eurofins Ntd Llc (ga)
Classification: Uncertain significance. Last evaluated: 2016-02-01. Review status: criteria provided, single submitter. Criteria: EGL Classification Definitions 2015. Collection method: clinical testing. Allele origin: germline. Observed: 2 variant alleles, 2 heterozygotes.